The following is an entry in ClinVar:

NM_000059.4(BRCA2):c.6477A>G (p.Gln2159=)

Gene: BRCA2 (BRCA2 DNA repair associated; plus strand). Cytogenetic location: 13q13.1.
Variant type: single nucleotide variant.
Coding change: c.6477A>G on transcript NM_000059.4 (MANE Select); coding-DNA position 6477, A replaced by G.
Protein change: p.Gln2159=; no amino-acid change (glutamine 2159 retained).
Molecular consequence: synonymous variant.
Genome position (GRCh38, 1-based): chr13:32,340,832, A>G. VCF-style: chr13-32340832-A-G. GRCh37 (hg19) VCF-style: chr13-32914969-A-G.
Identifiers: ClinVar variation 629293 (VCV000629293.14), dbSNP rs1566234713, ClinGen allele CA483439047.
Genomic context (GRCh38, chr13:32,340,832, plus strand): 5'-AGGTGGTTCTTCAGAAAATAATCACTCTATTAAAGTTTCTCCATATCTCTCTCAATTTCA[A>G]CAAGACAAACAACAGTTGGTATTAGGAACCAAAGTGTCACTTGTTGAGAACATTCATGTT-3'
Protein context (NP_000050.3, residues 2149-2169): IKVSPYLSQF[Gln2159=]QDKQQLVLGT

ClinVar aggregate classification (germline): Conflicting classifications of pathogenicity. Review status: criteria provided, conflicting classifications (1 of 4 stars). 3 submissions from 3 submitters: Uncertain significance (1); Likely benign (2). Last evaluated 2026-05-06.

Conditions:
Hereditary breast ovarian cancer syndrome. Also called: Hereditary breast and ovarian cancer; Hereditary breast and ovarian cancer syndrome (HBOC); Hereditary breast and ovarian cancer syndrome; Breast and ovarian cancer; Hereditary breast and/or ovarian cancer syndrome; BRCA1- and BRCA2-Associated Hereditary Breast and Ovarian Cancer. Identifiers: Orphanet 145, MedGen C0677776, MeSH D061325, MONDO:0003582. Disease mechanism: loss of function.
Hereditary cancer-predisposing syndrome. Also called: Tumor predisposition; Hereditary Cancer Syndrome; Neoplastic Syndromes, Hereditary; Hereditary neoplastic syndrome. Identifiers: Orphanet 140162, MedGen C0027672, MeSH D009386, MONDO:0015356.

Allele frequency attached by ClinVar (database versions not stated): gnomAD exomes 0.00001.
gnomAD v4.1: 3 of 1,590,290 alleles (0.00019%); highest among the groups gnomAD compares: South Asian, 0.0012%; no homozygotes.

Submissions (3):

Ambry Genetics
Classification: Likely benign for Hereditary cancer-predisposing syndrome. Last evaluated: 2026-05-06. Review status: criteria provided, single submitter. Criteria: Ambry Variant Classification Scheme 2023. Collection method: clinical testing. Allele origin: germline.

Labcorp Genetics (formerly Invitae), Labcorp
Classification: Uncertain significance for Hereditary breast ovarian cancer syndrome. Last evaluated: 2022-05-27. Review status: criteria provided, single submitter. Criteria: Invitae Variant Classification Sherloc (09022015). Collection method: clinical testing. Allele origin: germline.
Comment: This sequence change affects codon 2159 of the BRCA2 mRNA. It is a 'silent' change, meaning that it does not change the encoded amino acid sequence of the BRCA2 protein. In summary, the available evidence is currently insufficient to determine the role of this variant in disease. Therefore, it has been classified as a Variant of Uncertain Significance. Algorithms developed to predict the effect of sequence changes on RNA splicing suggest that this variant may create or strengthen a splice site. ClinVar contains an entry for this variant (Variation ID: 629293). This variant has not been reported in the literature in individuals affected with BRCA2-related conditions. This variant is not present in population databases (gnomAD no frequency).

Color Diagnostics, LLC DBA Color Health
Classification: Likely benign for Hereditary cancer-predisposing syndrome. Last evaluated: 2018-09-27. Review status: criteria provided, single submitter. Criteria: ACMG Guidelines, 2015. Collection method: clinical testing. Allele origin: germline.